The following is an entry in ClinVar:

ClinVar aggregate classification (germline): Conflicting classifications of pathogenicity. Review status: criteria provided, conflicting classifications (1 of 4 stars). 2 submissions from 2 submitters: Uncertain significance (1); Likely benign (1). Last evaluated 2025-09-09.

Conditions:
Hereditary cancer-predisposing syndrome. Also called: Hereditary neoplastic syndrome; Tumor predisposition; Hereditary Cancer Syndrome; Neoplastic Syndromes, Hereditary. Identifiers: Orphanet 140162, MedGen C0027672, MeSH D009386, MONDO:0015356.

gnomAD v4.1: 1 of 1,614,156 alleles (0.000062%); highest among the groups gnomAD compares: Non-Finnish European, 0.000085%; no homozygotes.

Submissions (2):

Ambry Genetics
Classification: Likely benign for Hereditary cancer-predisposing syndrome. Last evaluated: 2025-09-09. Review status: criteria provided, single submitter. Criteria: Ambry Variant Classification Scheme 2023. Collection method: clinical testing. Allele origin: germline.

Color Diagnostics, LLC DBA Color Health
Classification: Uncertain significance for Hereditary cancer-predisposing syndrome. Last evaluated: 2023-12-05. Review status: criteria provided, single submitter. Criteria: ACMG Guidelines, 2015. Collection method: clinical testing. Allele origin: germline.
Comment: This missense variant replaces alanine with serine at codon 489 of the MUTYH protein. Computational prediction is inconclusive regarding the impact of this variant on protein structure and function (internally defined REVEL score threshold 0.5 < inconclusive < 0.7, PMID: 27666373). To our knowledge, functional studies have not been reported for this variant. This variant has not been reported in individuals affected with MUTYH-related disorders in the literature. This variant has not been identified in the general population by the Genome Aggregation Database (gnomAD). The available evidence is insufficient to determine the role of this variant in disease conclusively. Therefore, this variant is classified as a Variant of Uncertain Significance.

Literature cited by the submitters: PubMed 39654522 (cited by Ambry Genetics).

NM_001048174.2(MUTYH):c.1381G>T (p.Ala461Ser)

Gene: MUTYH (mutY DNA glycosylase; minus strand). Cytogenetic location: 1p34.1.
Variant type: single nucleotide variant.
Coding change: c.1381G>T on transcript NM_001048174.2 (MANE Select); coding-DNA position 1381, G replaced by T.
Protein change: p.Ala461Ser; replaces alanine 461 with serine.
Molecular consequence: missense variant. On other transcripts: non-coding transcript variant (2).
Genome position (GRCh38, 1-based): chr1:45,331,193, C>A on the plus strand (G>T on the coding strand, the complement: MUTYH is on the minus strand). VCF-style: chr1-45331193-C-A. GRCh37 (hg19) VCF-style: chr1-45796865-C-A.
Other names: c.1381G>T, p.Ala461Ser (NM_001048171.2, NM_001048173.2, NM_001293195.2); c.1384G>T, p.Ala462Ser (NM_001048172.2); c.1465G>T, p.Ala489Ser (NM_001128425.2); c.1426G>T, p.Ala476Ser (NM_001293190.2); c.1414G>T, p.Ala472Ser (NM_001293191.2); c.1105G>T, p.Ala369Ser (NM_001293192.2, NM_001293196.2); c.1036G>T, p.Ala346Ser (NM_001350650.2, NM_001350651.2); c.1456G>T, p.Ala486Ser (NM_012222.3); short protein forms A489S, A346S, A369S, A462S, A472S, A461S, A476S, A486S.
Identifiers: ClinVar variation 492016 (VCV000492016.8), dbSNP rs587782263, ClinGen allele CA340132497.